The following is an entry in ClinVar:

NM_001009944.3(PKD1):c.2724G>T (p.Val908=)

Gene: PKD1 (polycystin 1, transient receptor potential channel interacting; minus strand). Cytogenetic location: 16p13.3.
Variant type: single nucleotide variant.
Coding change: c.2724G>T on transcript NM_001009944.3 (MANE Select); coding-DNA position 2724, G replaced by T.
Protein change: p.Val908=; no amino-acid change (valine 908 retained).
Molecular consequence: synonymous variant.
Genome position (GRCh38, 1-based): chr16:2,114,299, C>A on the plus strand (G>T on the coding strand, the complement: PKD1 is on the minus strand). VCF-style: chr16-2114299-C-A. GRCh37 (hg19) VCF-style: chr16-2164300-C-A.
Other names: c.2724G>T, p.Val908= (NM_000296.4).
Identifiers: ClinVar variation 4989279 (VCV004989279.1).

ClinVar aggregate classification (germline): Likely benign (1 of 4 stars; one submission).

Conditions:
PKD1-related disorder. Also called: PKD1-related condition.

gnomAD v4.1: 18 of 1,610,560 alleles (0.0011%); highest among the groups gnomAD compares: Admixed American, 0.0017%; no homozygotes.

Submission:

PreventionGenetics, part of Exact Sciences
Classification: Likely benign for PKD1-related condition. Last evaluated: 2026-09-22. Review status: criteria provided, single submitter. Criteria: ACMG Guidelines, 2015. Collection method: clinical testing. Allele origin: germline.
Comment: This variant is classified as likely benign based on ACMG/AMP sequence variant interpretation guidelines (Richards et al. 2015 PMID: 25741868, with internal and published modifications).